The following is an entry in ClinVar:

NM_013275.6(ANKRD11):c.4963A>G (p.Lys1655Glu)

Gene: ANKRD11 (ankyrin repeat domain 11; minus strand). Cytogenetic location: 16q24.3.
Variant type: single nucleotide variant.
Coding change: c.4963A>G on transcript NM_013275.6 (MANE Select); coding-DNA position 4963, A replaced by G.
Protein change: p.Lys1655Glu; replaces lysine 1655 with glutamic acid.
Molecular consequence: missense variant.
Genome position (GRCh38, 1-based): chr16:89,281,579, T>C on the plus strand (A>G on the coding strand, the complement: ANKRD11 is on the minus strand). VCF-style: chr16-89281579-T-C. GRCh37 (hg19) VCF-style: chr16-89347987-T-C.
Other names: c.4963A>G, p.Lys1655Glu (NM_001256182.2, NM_001256183.2); short protein forms K1655E.
Identifiers: ClinVar variation 4883222 (VCV004883222.2).

ClinVar aggregate classification (germline): Uncertain significance (1 of 4 stars; one submission).

Conditions:
KBG syndrome (KBGS). Also called: ANKRD11-Related KBG Syndrome. Identifiers: Orphanet 2332, MedGen C0220687, MONDO:0007846, OMIM 148050.

gnomAD v4.1: 2 of 1,614,164 alleles (0.00012%); highest among the groups gnomAD compares: Non-Finnish European, 0.00017%; no homozygotes.

Submission:

Dasa
Classification: Uncertain significance for KBG syndrome. Last evaluated: 2025-07-09. Review status: criteria provided, single submitter. Criteria: DASA Assertion Criteria. Collection method: clinical testing. Allele origin: germline.
Comment: NM_013275.6(ANKRD11):c.4963A>G (p.Lys1655Glu) is a missense variant that results in the substitution of lysine with glutamic acid. This variant is rare in population databases. Computational prediction algorithms are consistent with a benign effect. The currently available literature and clinical evidence are not sufficient to establish a definitive association between this variant and the reported condition. Therefore, this variant is classified as a variant of uncertain significance.